The following is an entry in ClinVar:

ClinVar aggregate classification (germline): Likely pathogenic (1 of 4 stars; one submission).

Conditions:
Neurofibromatosis, type 1 (NF1). Also called: Peripheral type neurofibromatosis; VON RECKLINGHAUSEN DISEASE; Neurofibromatosis, type I; NEUROFIBROMATOSIS, TYPE I, SOMATIC. Identifiers: Orphanet 636, MedGen C0027831, MONDO:0018975, OMIM 162200. Disease mechanism: loss of function.

Submission:

Labcorp Genetics (formerly Invitae), Labcorp
Classification: Likely pathogenic for Neurofibromatosis, type 1. Last evaluated: 2020-07-30. Review status: criteria provided, single submitter. Criteria: Invitae Variant Classification Sherloc (09022015). Collection method: clinical testing. Allele origin: germline.
Comment: This variant has been observed in individuals with clinical features of neurofibromatosis type 1 (Invitae). In at least one individual the variant was observed to be de novo. This variant is not present in population databases (ExAC no frequency). This sequence change replaces methionine with arginine at codon 991 of the NF1 protein (p.Met991Arg). The methionine residue is moderately conserved and there is a moderate physicochemical difference between methionine and arginine. In summary, the currently available evidence indicates that the variant is pathogenic, but additional data are needed to prove that conclusively. Therefore, this variant has been classified as Likely Pathogenic. Algorithms developed to predict the effect of missense changes on protein structure and function are either unavailable or do not agree on the potential impact of this missense change (SIFT: "Deleterious"; PolyPhen-2: "Possibly Damaging"; Align-GVGD: "Class C0").

NM_001042492.3(NF1):c.2972T>G (p.Met991Arg)

Gene: NF1 (neurofibromin 1; plus strand). Cytogenetic location: 17q11.2.
Variant type: single nucleotide variant.
Coding change: c.2972T>G on transcript NM_001042492.3 (MANE Select); coding-DNA position 2972, T replaced by G.
Protein change: p.Met991Arg; replaces methionine 991 with arginine.
Molecular consequence: missense variant.
Genome position (GRCh38, 1-based): chr17:31,229,956, T>G. VCF-style: chr17-31229956-T-G. GRCh37 (hg19) VCF-style: chr17-29556974-T-G.
Other names: c.2972T>G, p.Met991Arg (NM_000267.4); short protein forms M991R.
Identifiers: ClinVar variation 941469 (VCV000941469.6), dbSNP rs1060500298, ClinGen allele CA398986390.